The following is an entry in ClinVar:

NM_006521.6(TFE3):c.392G>A (p.Arg131His)

Gene: TFE3 (transcription factor binding to IGHM enhancer 3; minus strand). Cytogenetic location: Xp11.23.
Variant type: single nucleotide variant.
Coding change: c.392G>A on transcript NM_006521.6 (MANE Select); coding-DNA position 392, G replaced by A.
Protein change: p.Arg131His; replaces arginine 131 with histidine.
Molecular consequence: missense variant.
Genome position (GRCh38, 1-based): chrX:49,039,249, C>T on the plus strand (G>A on the coding strand, the complement: TFE3 is on the minus strand). VCF-style: chrX-49039249-C-T. GRCh37 (hg19) VCF-style: chrX-48896774-C-T.
Other names: c.77G>A, p.Arg26His (NM_001282142.2); short protein forms R131H, R26H.
Identifiers: ClinVar variation 3045544 (VCV003045544.2), dbSNP rs1557075315, ClinGen allele CA412912648.
Genomic context (GRCh38, chrX:49,039,249, plus strand): 5'-GCAGGAGAGGCAGGTGCAGGACTGGGGAAGGGAGCCGCGGCGGCCTGTTCCCGACGCTCA[C>T]GCCTCTCCTGCTCCTGCGCCTGGGCCCGCATTAGCTGCTGCCGCAGCAAGACCCTCGATG-3'
Protein context (NP_006512.2, residues 121-141): MRAQAQEQER[Arg131His]ERREQAAAAP

ClinVar aggregate classification (germline): Uncertain significance (0 of 4 stars; one submission).

Conditions:
TFE3-related disorder. Also called: TFE3-related condition.

Allele frequency attached by ClinVar (database versions not stated): gnomAD exomes below 0.00001; TOPMed 0.00001.

Submission:

PreventionGenetics, part of Exact Sciences
Classification: Uncertain significance for TFE3-related condition. Last evaluated: 2024-02-15. Review status: no assertion criteria provided. Collection method: clinical testing. Allele origin: germline.
Comment: The TFE3 c.392G>A variant is predicted to result in the amino acid substitution p.Arg131His. To our knowledge, this variant has not been reported in the literature. This variant is reported in 0.0085% of alleles in individuals of African descent in gnomAD. At this time, the clinical significance of this variant is uncertain due to the absence of conclusive functional and genetic evidence.